The following is an entry in ClinVar:

ClinVar aggregate classification (germline): Uncertain significance. Review status: criteria provided, multiple submitters, no conflicts (2 of 4 stars). 2 submissions from 2 submitters: Uncertain significance (2). Last evaluated 2024-03-25.

Conditions:
Predisposition to dissection.

Allele frequency attached by ClinVar (database versions not stated): ExAC 0.00013; gnomAD exomes 0.00013 and 0.00023; gnomAD 0.00019; TOPMed 0.00031; ESP Exome Variant Server 0.00062.
gnomAD v4.1: 348 of 1,590,904 alleles (0.022%); highest among the groups gnomAD compares: Non-Finnish European, 0.026%; no homozygotes.

Submissions (2):

Labcorp Genetics (formerly Invitae), Labcorp
Classification: Uncertain significance. Last evaluated: 2024-03-25. Review status: criteria provided, single submitter. Criteria: Invitae Variant Classification Sherloc (09022015). Collection method: clinical testing. Allele origin: germline.
Comment: This sequence change replaces arginine, which is basic and polar, with histidine, which is basic and polar, at codon 111 of the SNIP1 protein (p.Arg111His). This variant is present in population databases (rs41267307, gnomAD 0.1%), and has an allele count higher than expected for a pathogenic variant. This variant has not been reported in the literature in individuals affected with SNIP1-related conditions. ClinVar contains an entry for this variant (Variation ID: 638581). Advanced modeling of protein sequence and biophysical properties (such as structural, functional, and spatial information, amino acid conservation, physicochemical variation, residue mobility, and thermodynamic stability) performed at Invitae indicates that this missense variant is not expected to disrupt SNIP1 protein function with a negative predictive value of 80%. In summary, the available evidence is currently insufficient to determine the role of this variant in disease. Therefore, it has been classified as a Variant of Uncertain Significance.

Undiagnosed Diseases Network, NIH
Classification: Uncertain significance for Predisposition to dissection. Last evaluated: 2019-03-22. Review status: criteria provided, single submitter. Criteria: ACMG Guidelines, 2015. Collection method: clinical testing. Allele origin: unknown. Inheritance: Other: digenic. Affected: yes. Observed: 1 variant allele, 1 heterozygote. Study: Undiagnosed Diseases Network (NIH), UDN.

NM_024700.4(SNIP1):c.332G>A (p.Arg111His)

Genes: SNIP1 (Smad nuclear interacting protein 1; minus strand), LOC126805704 (BRD4-independent group 4 enhancer GRCh37_chr1:38005292-38006491; plus strand). Cytogenetic location: 1p34.3.
Variant type: single nucleotide variant.
Coding change: c.332G>A on transcript NM_024700.4 (MANE Select); coding-DNA position 332, G replaced by A.
Protein change: p.Arg111His; replaces arginine 111 with histidine.
Molecular consequence: missense variant.
Genome position (GRCh38, 1-based): chr1:37,540,751, C>T on the plus strand (G>A on the coding strand, the complement: SNIP1 is on the minus strand). VCF-style: chr1-37540751-C-T. GRCh37 (hg19) VCF-style: chr1-38006352-C-T.
Other names: short protein forms R111H.
Identifiers: ClinVar variation 638581 (VCV000638581.7), dbSNP rs41267307, ClinGen allele CA771356.